The following is an entry in ClinVar:

NM_001035.3(RYR2):c.5515T>A (p.Leu1839Met)

Gene: RYR2 (ryanodine receptor 2; plus strand). Cytogenetic location: 1q43.
Variant type: single nucleotide variant.
Coding change: c.5515T>A on transcript NM_001035.3 (MANE Select); coding-DNA position 5515, T replaced by A.
Protein change: p.Leu1839Met; replaces leucine 1839 with methionine.
Molecular consequence: missense variant.
Genome position (GRCh38, 1-based): chr1:237,614,643, T>A. VCF-style: chr1-237614643-T-A. GRCh37 (hg19) VCF-style: chr1-237777943-T-A.
Other names: short protein forms L1839M.
Identifiers: ClinVar variation 3072180 (VCV003072180.1), dbSNP rs375521843, ClinGen allele CA345405192.
Genomic context (GRCh38, chr1:237,614,643, plus strand): 5'-GTACCTCTCATCAAGCTTTTCTATACCCTGCTGATCATGGGCATCTTTCACAACGAGGAC[T>A]TGAAGCACATCTTGCAGTTGATTGAGCCCAGTGTGTTTAAAGAAGCTGCCACTCCGGAGG-3'
Protein context (NP_001026.2, residues 1829-1849): LIMGIFHNED[Leu1839Met]KHILQLIEPS

ClinVar aggregate classification (germline): Uncertain significance (1 of 4 stars; one submission).

Conditions:
Catecholaminergic polymorphic ventricular tachycardia (CVPT). Also called: Catecholamine-induced polymorphic ventricular tachycardia. Identifiers: Orphanet 3286, MedGen C5574922, MONDO:0017990.

Submission:

All of Us Research Program, National Institutes of Health
Classification: Uncertain significance for Catecholaminergic polymorphic ventricular tachycardia. Last evaluated: 2023-06-26. Review status: criteria provided, single submitter. Criteria: ACMG Guidelines, 2015. Collection method: clinical testing. Allele origin: germline. Inheritance: Autosomal dominant inheritance. Observed: 1 variant allele, 1 heterozygote.
Comment: This missense variant replaces leucine with methionine at codon 1839 of the RYR2 protein. Computational prediction suggests that this variant may not impact protein structure and function (internally defined REVEL score threshold <= 0.5, PMID: 27666373). To our knowledge, functional studies have not been reported for this variant. This variant has not been reported in individuals affected with RYR2-related disorders in the literature. This variant has not been identified in the general population by the Genome Aggregation Database (gnomAD). The available evidence is insufficient to determine the role of this variant in disease conclusively. Therefore, this variant is classified as a Variant of Uncertain Significance.

This study involves interpretation of variants in research participants for the purpose of population health screening. Participant phenotype was not available at the time of variant classification. Additional details can be found in publication PMID: 35346344, PMCID: PMC8962531